The following is an entry in ClinVar:

NM_001364905.1(LRBA):c.8404C>T (p.Gln2802Ter)

Gene: LRBA (LPS responsive beige-like anchor protein; minus strand). Cytogenetic location: 4q31.3.
Variant type: single nucleotide variant.
Coding change: c.8404C>T on transcript NM_001364905.1 (MANE Select); coding-DNA position 8404, C replaced by T.
Protein change: p.Gln2802Ter; replaces glutamine 2802 with a stop codon.
Molecular consequence: nonsense.
Genome position (GRCh38, 1-based): chr4:150,277,917, G>A on the plus strand (C>T on the coding strand, the complement: LRBA is on the minus strand). VCF-style: chr4-150277917-G-A. GRCh37 (hg19) VCF-style: chr4-151199069-G-A.
Other names: c.8401C>T, p.Gln2801Ter (NM_001199282.3); c.8419C>T, p.Gln2807Ter (NM_001367550.1, NM_001440431.1); c.8452C>T, p.Gln2818Ter (NM_001440430.1); c.2122C>T, p.Gln708Ter (NM_001440432.1); c.2116C>T, p.Gln706Ter (NM_001440433.1); c.8437C>T, p.Gln2813Ter (NM_006726.5); short protein forms Q2813*, Q706*, Q2802*, Q2818*, Q708*, Q2801*, Q2807*.
Identifiers: ClinVar variation 4698263 (VCV004698263.1).

ClinVar aggregate classification (germline): Pathogenic (1 of 4 stars; one submission).

Conditions:
Combined immunodeficiency due to LRBA deficiency. Also called: Common variable immunodeficiency 8, with autoimmunity. Identifiers: Orphanet 445018, MedGen C3553512, MONDO:0013863, OMIM 614700.

Submission:

Labcorp Genetics (formerly Invitae), Labcorp
Classification: Pathogenic for Combined immunodeficiency due to LRBA deficiency. Last evaluated: 2025-11-23. Review status: criteria provided, single submitter. Criteria: Invitae Variant Classification Sherloc (09022015). Collection method: clinical testing. Allele origin: germline.
Comment: This sequence change creates a premature translational stop signal (p.Gln2813*) in the LRBA gene. It is expected to result in an absent or disrupted protein product. Loss-of-function variants in LRBA are known to be pathogenic (PMID: 26206937, 26768763). This variant is not present in population databases (gnomAD no frequency). This premature translational stop signal has been observed in individual(s) with LRBA-related conditions (PMID: 31887391). For these reasons, this variant has been classified as Pathogenic.

Literature cited by the submitters: PubMed 26206937; PubMed 26768763; PubMed 31887391.